The following is an entry in ClinVar:

NM_004944.4(DNASE1L3):c.437T>C (p.Val146Ala)

Gene: DNASE1L3 (deoxyribonuclease 1L3; minus strand). Cytogenetic location: 3p14.3.
Variant type: single nucleotide variant.
Coding change: c.437T>C on transcript NM_004944.4 (MANE Select); coding-DNA position 437, T replaced by C.
Protein change: p.Val146Ala; replaces valine 146 with alanine.
Molecular consequence: missense variant.
Genome position (GRCh38, 1-based): chr3:58,201,106, A>G on the plus strand (T>C on the coding strand, the complement: DNASE1L3 is on the minus strand). VCF-style: chr3-58201106-A-G. GRCh37 (hg19) VCF-style: chr3-58186833-A-G.
Other names: c.347T>C, p.Val116Ala (NM_001256560.2); c.437T>C (NM_004944.2); short protein forms V116A, V146A.
Identifiers: ClinVar variation 1424051 (VCV001424051.8), dbSNP rs201928908, ClinGen allele CA2469979.

ClinVar aggregate classification (germline): Uncertain significance. Review status: criteria provided, multiple submitters, no conflicts (2 of 4 stars). 4 submissions from 4 submitters: Uncertain significance (4). Last evaluated 2025-05-20.

Conditions:
Inborn genetic diseases. Identifiers: MedGen C0950123, MeSH D030342.
Autosomal systemic lupus erythematosus type 16. Also called: Systemic lupus erythematosus 16. Identifiers: Orphanet 300345, MedGen C3280742, MONDO:0013743, OMIM 614420.

Allele frequency attached by ClinVar (database versions not stated): TOPMed 0.00006; ExAC 0.00007; gnomAD 0.00010 and 0.00011; gnomAD exomes 0.00011; ESP Exome Variant Server 0.00015; 1000 Genomes Project 30x 0.00016; 1000 Genomes Project 0.00020.
gnomAD v4.1: 174 of 1,606,054 alleles (0.011%); highest among the groups gnomAD compares: Middle Eastern, 0.017%; no homozygotes.

Submissions (4):

Ambry Genetics
Classification: Uncertain significance for Inborn genetic diseases. Last evaluated: 2025-05-20. Review status: criteria provided, single submitter. Criteria: Ambry Variant Classification Scheme 2023. Collection method: clinical testing. Allele origin: germline.

Blueprint Genetics
Classification: Uncertain significance. Last evaluated: 2024-10-16. Review status: criteria provided, single submitter. Criteria: ACMG Guidelines, 2015. Collection method: clinical testing. Allele origin: germline.

Fulgent Genetics
Classification: Uncertain significance for Autosomal systemic lupus erythematosus type 16. Last evaluated: 2024-04-09. Review status: criteria provided, single submitter. Criteria: ACMG Guidelines, 2015. Collection method: clinical testing. Allele origin: germline.

Labcorp Genetics (formerly Invitae), Labcorp
Classification: Uncertain significance. Last evaluated: 2022-08-16. Review status: criteria provided, single submitter. Criteria: Invitae Variant Classification Sherloc (09022015). Collection method: clinical testing. Allele origin: germline.
Comment: This sequence change replaces valine, which is neutral and non-polar, with alanine, which is neutral and non-polar, at codon 146 of the DNASE1L3 protein (p.Val146Ala). This variant is present in population databases (rs201928908, gnomAD 0.02%). This variant has not been reported in the literature in individuals affected with DNASE1L3-related conditions. ClinVar contains an entry for this variant (Variation ID: 1424051). Algorithms developed to predict the effect of missense changes on protein structure and function (SIFT, PolyPhen-2, Align-GVGD) all suggest that this variant is likely to be tolerated. In summary, the available evidence is currently insufficient to determine the role of this variant in disease. Therefore, it has been classified as a Variant of Uncertain Significance.